The following is an entry in ClinVar:

ClinVar aggregate classification (germline): Uncertain significance (1 of 4 stars; one submission).

Submission:

Labcorp Genetics (formerly Invitae), Labcorp
Classification: Uncertain significance. Last evaluated: 2023-06-14. Review status: criteria provided, single submitter. Criteria: Invitae Variant Classification Sherloc (09022015). Collection method: clinical testing. Allele origin: unknown.
Comment: In summary, the available evidence is currently insufficient to determine the role of this variant in disease. Therefore, it has been classified as a Variant of Uncertain Significance. Experimental studies and prediction algorithms are not available or were not evaluated, and the functional significance of this variant is currently unknown. This variant has not been reported in the literature in individuals affected with CD46-related conditions. This variant results in a copy number gain of the genomic region encompassing exon(s) 5 of the CD46 gene. While the exact position of this variant cannot be determined from the data, sub-genic copy number gains are generally in tandem (PMID: 25640679). This variant is predicted to be in-frame, and likely preserves the integrity of the reading frame.

Literature cited by the submitters: PubMed 25640679.

NC_000001.10:g.(?_207934574)_(207934811_?)dup

Gene: CD46 (CD46 molecule; plus strand). Cytogenetic location: 1q32.2.
Variant type: Duplication.
Identifiers: ClinVar variation 3247941 (VCV003247941.1).